The following is an entry in ClinVar:

ClinVar aggregate classification (germline): Uncertain significance (1 of 4 stars; one submission).

gnomAD v4.1: 1 of 1,613,034 alleles (0.000062%); highest among the groups gnomAD compares: Non-Finnish European, 0.000085%; no homozygotes.

Submission:

Labcorp Genetics (formerly Invitae), Labcorp
Classification: Uncertain significance. Last evaluated: 2022-08-08. Review status: criteria provided, single submitter. Criteria: Invitae Variant Classification Sherloc (09022015). Collection method: clinical testing. Allele origin: germline.
Comment: In summary, the available evidence is currently insufficient to determine the role of this variant in disease. Therefore, it has been classified as a Variant of Uncertain Significance. Advanced modeling of protein sequence and biophysical properties (such as structural, functional, and spatial information, amino acid conservation, physicochemical variation, residue mobility, and thermodynamic stability) performed at Invitae indicates that this missense variant is not expected to disrupt PNPT1 protein function. This variant has not been reported in the literature in individuals affected with PNPT1-related conditions. This variant is present in population databases (no rsID available, gnomAD 0.0009%). This sequence change replaces proline, which is neutral and non-polar, with leucine, which is neutral and non-polar, at codon 273 of the PNPT1 protein (p.Pro273Leu).

NM_033109.5(PNPT1):c.818C>T (p.Pro273Leu)

Gene: PNPT1 (polyribonucleotide nucleotidyltransferase 1; minus strand). Cytogenetic location: 2p16.1.
Variant type: single nucleotide variant.
Coding change: c.818C>T on transcript NM_033109.5 (MANE Select); coding-DNA position 818, C replaced by T.
Protein change: p.Pro273Leu; replaces proline 273 with leucine.
Molecular consequence: missense variant.
Genome position (GRCh38, 1-based): chr2:55,672,941, G>A on the plus strand (C>T on the coding strand, the complement: PNPT1 is on the minus strand). VCF-style: chr2-55672941-G-A. GRCh37 (hg19) VCF-style: chr2-55900076-G-A.
Other names: short protein forms P273L.
Identifiers: ClinVar variation 2002790 (VCV002002790.4), dbSNP rs1367460436, ClinGen allele CA346933781.